The following is an entry in ClinVar:

NM_175875.5(SIX5):c.1994G>T (p.Trp665Leu)

Gene: SIX5 (SIX homeobox 5; minus strand). Cytogenetic location: 19q13.32.
Variant type: single nucleotide variant.
Coding change: c.1994G>T on transcript NM_175875.5 (MANE Select); coding-DNA position 1994, G replaced by T.
Protein change: p.Trp665Leu; replaces tryptophan 665 with leucine.
Molecular consequence: missense variant.
Genome position (GRCh38, 1-based): chr19:45,765,727, C>A on the plus strand (G>T on the coding strand, the complement: SIX5 is on the minus strand). VCF-style: chr19-45765727-C-A. GRCh37 (hg19) VCF-style: chr19-46268985-C-A.
Other names: short protein forms W665L.
Identifiers: ClinVar variation 4990448 (VCV004990448.1).

ClinVar aggregate classification (germline): Uncertain significance (1 of 4 stars; one submission).

Conditions:
SIX5-related disorder. Also called: SIX5-related condition.

Submission:

PreventionGenetics, part of Exact Sciences
Classification: Uncertain significance for SIX5-related condition. Last evaluated: 2025-06-10. Review status: criteria provided, single submitter. Criteria: ACMG Guidelines, 2015. Collection method: clinical testing. Allele origin: germline.
Comment: The SIX5 c.1994G>T variant is predicted to result in the amino acid substitution p.Trp665Leu. To our knowledge, this variant has not been reported in the literature. This variant is reported in 0.029% of alleles in individuals of African descent in gnomAD. At this time, the clinical significance of this variant is uncertain due to the absence of conclusive functional and genetic evidence.